The following is an entry in ClinVar:

ClinVar aggregate classification (germline): Uncertain significance (1 of 4 stars; one submission).

Allele frequency attached by ClinVar (database versions not stated): gnomAD 0.00001; gnomAD exomes 0.00001; TOPMed 0.00002.
gnomAD v4.1: 5 of 1,611,860 alleles (0.00031%); highest among the groups gnomAD compares: Admixed American, 0.0085%; no homozygotes.

Submission:

Labcorp Genetics (formerly Invitae), Labcorp
Classification: Uncertain significance. Last evaluated: 2024-03-03. Review status: criteria provided, single submitter. Criteria: Invitae Variant Classification Sherloc (09022015). Collection method: clinical testing. Allele origin: germline.
Comment: This sequence change replaces glutamic acid, which is acidic and polar, with glycine, which is neutral and non-polar, at codon 973 of the HYOU1 protein (p.Glu973Gly). This variant is present in population databases (rs782760728, gnomAD 0.01%). This variant has not been reported in the literature in individuals affected with HYOU1-related conditions. ClinVar contains an entry for this variant (Variation ID: 1920698). An algorithm developed to predict the effect of missense changes on protein structure and function (PolyPhen-2) suggests that this variant is likely to be disruptive. In summary, the available evidence is currently insufficient to determine the role of this variant in disease. Therefore, it has been classified as a Variant of Uncertain Significance.

NM_006389.5(HYOU1):c.2918A>G (p.Glu973Gly)

Gene: HYOU1 (hypoxia up-regulated 1; minus strand). Cytogenetic location: 11q23.3.
Variant type: single nucleotide variant.
Coding change: c.2918A>G on transcript NM_006389.5 (MANE Select); coding-DNA position 2918, A replaced by G.
Protein change: p.Glu973Gly; replaces glutamic acid 973 with glycine.
Molecular consequence: missense variant.
Genome position (GRCh38, 1-based): chr11:119,045,801, T>C on the plus strand (A>G on the coding strand, the complement: HYOU1 is on the minus strand). VCF-style: chr11-119045801-T-C. GRCh37 (hg19) VCF-style: chr11-118916513-T-C.
Other names: c.2918A>G, p.Glu973Gly (NM_001130991.3); c.2921A>G, p.Glu974Gly (NM_001411041.1); short protein forms E973G, E974G.
Identifiers: ClinVar variation 1920698 (VCV001920698.5), dbSNP rs782760728, ClinGen allele CA229615905.
Genomic context (GRCh38, chr11:119,045,801, plus strand): 5'-CCCACCAGGCTTCCCACCGTAGCCCCGGCTCCATCCTCACCTGCTCCAGGACCTCCTAAC[T>C]CCAAAGGCTCAGTGTCTCCTGGCTCGGATCCTGCTTTGGGAAGAAACAGGTTAGTCTCCT-3'
Protein context (NP_006380.1, residues 963-983): GSEPGDTEPL[Glu973Gly]LGGPGAEPEQ